The following is an entry in ClinVar:

NM_002024.6(FMR1):c.995T>C (p.Ile332Thr)

Gene: FMR1 (fragile X messenger ribonucleoprotein 1; plus strand). Cytogenetic location: Xq27.3.
Variant type: single nucleotide variant.
Coding change: c.995T>C on transcript NM_002024.6 (MANE Select); coding-DNA position 995, T replaced by C.
Protein change: p.Ile332Thr; replaces isoleucine 332 with threonine.
Molecular consequence: missense variant. On other transcripts: non-coding transcript variant (2).
Genome position (GRCh38, 1-based): chrX:147,937,470, T>C. VCF-style: chrX-147937470-T-C. GRCh37 (hg19) VCF-style: chrX-147018989-T-C.
Other names: c.995T>C, p.Ile332Thr (NM_001185075.2, NM_001185076.2, NM_001185081.2 and 1 more transcripts); short protein forms I332T.
Identifiers: ClinVar variation 4685100 (VCV004685100.1).

ClinVar aggregate classification (germline): Uncertain significance (1 of 4 stars; one submission).

Submission:

GeneDx
Classification: Uncertain significance. Last evaluated: 2025-07-10. Review status: criteria provided, single submitter. Criteria: GeneDx Variant Classification Process June 2021. Collection method: clinical testing. Allele origin: germline. Affected: yes.
Comment: Not observed at significant frequency in large population cohorts (gnomAD); In silico analysis suggests that this missense variant does not alter protein structure/function; Has not been previously published as pathogenic or benign to our knowledge